The following is an entry in ClinVar:

NM_013314.4(BLNK):c.248T>C (p.Met83Thr)

Gene: BLNK (B cell linker; minus strand). Cytogenetic location: 10q24.1.
Variant type: single nucleotide variant.
Coding change: c.248T>C on transcript NM_013314.4 (MANE Select); coding-DNA position 248, T replaced by C.
Protein change: p.Met83Thr; replaces methionine 83 with threonine.
Molecular consequence: missense variant. On other transcripts: non-coding transcript variant (4).
Genome position (GRCh38, 1-based): chr10:96,227,523, A>G on the plus strand (T>C on the coding strand, the complement: BLNK is on the minus strand). VCF-style: chr10-96227523-A-G. GRCh37 (hg19) VCF-style: chr10-97987279-A-G.
Other names: c.248T>C, p.Met83Thr (NM_001114094.2, NM_001258440.2, NM_001258441.2 and 1 more transcripts); short protein forms M83T.
Identifiers: ClinVar variation 1932658 (VCV001932658.5), dbSNP rs954787114, ClinGen allele CA212527190.

ClinVar aggregate classification (germline): Uncertain significance (1 of 4 stars; one submission).

Conditions:
Agammaglobulinemia 4, autosomal recessive (AGM4). Also called: B cell linker protein deficiency; AGAMMAGLOBULINEMIA, AUTOSOMAL RECESSIVE, DUE TO BLNK DEFECT. Identifiers: MedGen C3150752, MONDO:0013289, OMIM 613502.

Allele frequency attached by ClinVar (database versions not stated): gnomAD exomes below 0.00001; gnomAD 0.00001; TOPMed 0.00002.
gnomAD v4.1: 10 of 1,614,086 alleles (0.00062%); highest among the groups gnomAD compares: African/African-American, 0.0067%; no homozygotes.

Submission:

Labcorp Genetics (formerly Invitae), Labcorp
Classification: Uncertain significance for Agammaglobulinemia 4, autosomal recessive. Last evaluated: 2022-02-10. Review status: criteria provided, single submitter. Criteria: Invitae Variant Classification Sherloc (09022015). Collection method: clinical testing. Allele origin: germline.
Comment: This sequence change replaces methionine, which is neutral and non-polar, with threonine, which is neutral and polar, at codon 83 of the BLNK protein (p.Met83Thr). In summary, the available evidence is currently insufficient to determine the role of this variant in disease. Therefore, it has been classified as a Variant of Uncertain Significance. Algorithms developed to predict the effect of missense changes on protein structure and function output the following: SIFT: "Tolerated"; PolyPhen-2: "Benign"; Align-GVGD: "Class C0". The threonine amino acid residue is found in multiple mammalian species, which suggests that this missense change does not adversely affect protein function. This variant has not been reported in the literature in individuals affected with BLNK-related conditions. This variant is present in population databases (no rsID available, gnomAD 0.01%).